The following is an entry in ClinVar:

NM_020699.4(GATAD2B):c.1046A>G (p.Gln349Arg)

Gene: GATAD2B (GATA zinc finger domain containing 2B; minus strand). Cytogenetic location: 1q21.3.
Variant type: single nucleotide variant.
Coding change: c.1046A>G on transcript NM_020699.4 (MANE Select); coding-DNA position 1046, A replaced by G.
Protein change: p.Gln349Arg; replaces glutamine 349 with arginine.
Molecular consequence: missense variant.
Genome position (GRCh38, 1-based): chr1:153,816,443, T>C on the plus strand (A>G on the coding strand, the complement: GATAD2B is on the minus strand). VCF-style: chr1-153816443-T-C. GRCh37 (hg19) VCF-style: chr1-153788919-T-C.
Other names: short protein forms Q349R.
Identifiers: ClinVar variation 3362156 (VCV003362156.2).

ClinVar aggregate classification (germline): Uncertain significance. Review status: criteria provided, multiple submitters, no conflicts (2 of 4 stars). 2 submissions from 2 submitters: Uncertain significance (2). Last evaluated 2025-12-23.

Submissions (2):

Labcorp Genetics (formerly Invitae), Labcorp
Classification: Uncertain significance. Last evaluated: 2025-12-23. Review status: criteria provided, single submitter. Criteria: Invitae Variant Classification Sherloc (09022015). Collection method: clinical testing. Allele origin: germline.
Comment: This sequence change replaces glutamine, which is neutral and polar, with arginine, which is basic and polar, at codon 349 of the GATAD2B protein (p.Gln349Arg). This variant is not present in population databases (gnomAD no frequency). This variant has not been reported in the literature in individuals affected with GATAD2B-related conditions. ClinVar contains an entry for this variant (Variation ID: 3362156). Invitae Evidence Modeling of protein sequence and biophysical properties (such as structural, functional, and spatial information, amino acid conservation, physicochemical variation, residue mobility, and thermodynamic stability) indicates that this missense variant is expected to disrupt GATAD2B protein function with a positive predictive value of 80%. In summary, the available evidence is currently insufficient to determine the role of this variant in disease. Therefore, it has been classified as a Variant of Uncertain Significance.

GeneDx
Classification: Uncertain significance. Last evaluated: 2023-05-26. Review status: criteria provided, single submitter. Criteria: GeneDx Variant Classification Process June 2021. Collection method: clinical testing. Allele origin: germline. Affected: yes.
Comment: Not observed at significant frequency in large population cohorts (gnomAD); In silico analysis supports that this missense variant has a deleterious effect on protein structure/function; Has not been previously published as pathogenic or benign to our knowledge